The following is an entry in ClinVar:

ClinVar aggregate classification (germline): Likely benign (1 of 4 stars; one submission).

gnomAD v4.1: 23 of 1,612,962 alleles (0.0014%); highest among the groups gnomAD compares: African/African-American, 0.0027%; no homozygotes.

Submission:

CeGaT Center for Human Genetics Tuebingen
Classification: Likely benign. Last evaluated: 2022-06-01. Review status: criteria provided, single submitter. Criteria: CeGaT Center For Human Genetics Tuebingen Variant Classification Criteria Version 2. Collection method: clinical testing. Allele origin: germline. Affected: yes. Observed: 1 variant allele.
Comment: OSBPL5: BP4, BP7

NM_020896.4(OSBPL5):c.1842C>T (p.Ser614=)

Gene: OSBPL5 (oxysterol binding protein like 5; minus strand). Cytogenetic location: 11p15.4.
Variant type: single nucleotide variant.
Coding change: c.1842C>T on transcript NM_020896.4 (MANE Select); coding-DNA position 1842, C replaced by T.
Protein change: p.Ser614=; no amino-acid change (serine 614 retained).
Molecular consequence: synonymous variant.
Genome position (GRCh38, 1-based): chr11:3,093,631, G>A on the plus strand (C>T on the coding strand, the complement: OSBPL5 is on the minus strand). VCF-style: chr11-3093631-G-A. GRCh37 (hg19) VCF-style: chr11-3114861-G-A.
Other names: c.1638C>T, p.Ser546= (NM_145638.3, NM_001144063.2).
Identifiers: ClinVar variation 2641515 (VCV002641515.24), dbSNP rs752302699, ClinGen allele CA5824911.
Genomic context (GRCh38, chr11:3,093,631, plus strand): 5'-CTGCCTCAGCCTCTGTCTGCGGACCTCCCCGCTCGGGGTCCAGAAAAGCGCACTGCTTCC[G>A]CTCCCTTCCTCCTTGATAAACACGTCCCTGTCCTGCCCCAGATGGCCAGCGGGGTCAGAG-3'
Protein context (NP_065947.1, residues 604-624): DRDVFIKEEG[Ser614=]GSSALFWTPS